The following is an entry in ClinVar:

NM_001130438.3(SPTAN1):c.3627+1_3627+5del

Gene: SPTAN1 (spectrin alpha, non-erythrocytic 1; plus strand). Cytogenetic location: 9q34.11.
Variant type: Deletion.
Coding change: c.3627+1_3627+5del on transcript NM_001130438.3 (MANE Select); the canonical splice donor site of the intron after coding-DNA position 3627 through 5 bases into the intron after coding-DNA position 3627, 5 bases deleted (GTAAG; older notation c.3627+1_3627+5delGTAAG).
Molecular consequence: splice donor variant.
Genome position (GRCh38, 1-based): chr9:128,603,591-128,603,595, GTAAG deleted; deleting any 5 consecutive bases within chr9:128,603,588-128,603,595 gives the same sequence; the c. name uses the placement nearest the transcript's 3' end. VCF-style (leftmost placement, unchanged base first): chr9-128603587-CAAGGT-C. GRCh37 (hg19) VCF-style: chr9-131365866-CAAGGT-C.
Other names: c.3663+1_3663+5del (NM_001375318.1, NM_001375312.2, NM_001438440.1); c.3627+1_3627+5del (NM_001375311.2, NM_001375310.1, NM_001363759.2 and 4 more transcripts); c.3567+1_3567+5del (NM_001375314.2, NM_001363765.2, NM_001438442.1 and 3 more transcripts).
Identifiers: ClinVar variation 5001852 (VCV005001852.1).

ClinVar aggregate classification (germline): Likely pathogenic (1 of 4 stars; one submission).

Conditions:
SPTAN1-related disorder. Also called: SPTAN1-related disorders; SPTAN1-related condition.

Submission:

PreventionGenetics, part of Exact Sciences
Classification: Likely pathogenic for SPTAN1-related condition. Last evaluated: 2025-04-04. Review status: criteria provided, single submitter. Criteria: ACMG Guidelines, 2015. Collection method: clinical testing. Allele origin: germline.
Comment: The SPTAN1 c.3627+1_3627+5del5 variant is predicted to result in a deletion affecting a canonical splice site. To our knowledge, this variant has not been reported in the literature or in a large population database (gnomAD), indicating this variant is rare. Variants that disrupts the consensus splicing site are expected to be pathogenic. This variant is interpreted as likely pathogenic.